The following is an entry in ClinVar:

ClinVar aggregate classification (germline): Uncertain significance. Review status: criteria provided, multiple submitters, no conflicts (2 of 4 stars). 3 submissions from 3 submitters: Uncertain significance (3). Last evaluated 2024-12-16.

Conditions:
Autosomal systemic lupus erythematosus type 16. Also called: Systemic lupus erythematosus 16. Identifiers: Orphanet 300345, MedGen C3280742, MONDO:0013743, OMIM 614420.

Allele frequency attached by ClinVar (database versions not stated): ExAC 0.00007; gnomAD exomes 0.00007; gnomAD 0.00011 and 0.00013; TOPMed 0.00011; ESP Exome Variant Server 0.00023.
gnomAD v4.1: 77 of 1,614,032 alleles (0.0048%); highest among the groups gnomAD compares: African/African-American, 0.041%; no homozygotes.

Submissions (3):

Labcorp Genetics (formerly Invitae), Labcorp
Classification: Uncertain significance. Last evaluated: 2024-12-16. Review status: criteria provided, single submitter. Criteria: Invitae Variant Classification Sherloc (09022015). Collection method: clinical testing. Allele origin: germline.
Comment: This sequence change replaces arginine, which is basic and polar, with histidine, which is basic and polar, at codon 51 of the DNASE1L3 protein (p.Arg51His). This variant is present in population databases (rs372315713, gnomAD 0.05%). This variant has not been reported in the literature in individuals affected with DNASE1L3-related conditions. ClinVar contains an entry for this variant (Variation ID: 1426007). An algorithm developed to predict the effect of missense changes on protein structure and function (PolyPhen-2) suggests that this variant is likely to be disruptive. In summary, the available evidence is currently insufficient to determine the role of this variant in disease. Therefore, it has been classified as a Variant of Uncertain Significance.

Fulgent Genetics
Classification: Uncertain significance for Autosomal systemic lupus erythematosus type 16. Last evaluated: 2021-09-17. Review status: criteria provided, single submitter. Criteria: ACMG Guidelines, 2015. Collection method: clinical testing. Allele origin: unknown.

Breakthrough Genomics
Classification: Uncertain significance. Review status: criteria provided, single submitter. Criteria: ACMG Guidelines, 2015. Collection method: not provided. Allele origin: germline. Inheritance: Autosomal recessive inheritance. Affected: yes.

NM_004944.4(DNASE1L3):c.152G>A (p.Arg51His)

Gene: DNASE1L3 (deoxyribonuclease 1L3; minus strand). Cytogenetic location: 3p14.3.
Variant type: single nucleotide variant.
Coding change: c.152G>A on transcript NM_004944.4 (MANE Select); coding-DNA position 152, G replaced by A.
Protein change: p.Arg51His; replaces arginine 51 with histidine.
Molecular consequence: missense variant.
Genome position (GRCh38, 1-based): chr3:58,208,296, C>T on the plus strand (G>A on the coding strand, the complement: DNASE1L3 is on the minus strand). VCF-style: chr3-58208296-C-T. GRCh37 (hg19) VCF-style: chr3-58194023-C-T.
Other names: c.152G>A, p.Arg51His (NM_001256560.2); short protein forms R51H.
Identifiers: ClinVar variation 1426007 (VCV001426007.8), dbSNP rs372315713, ClinGen allele CA2470103.